The following is an entry in ClinVar:

NM_004036.5(ADCY3):c.51_62del (p.14AEYS[1])

Gene: ADCY3 (adenylate cyclase 3; minus strand). Cytogenetic location: 2p23.3.
Variant type: Deletion.
Coding change: c.51_62del on transcript NM_004036.5 (MANE Select); coding-DNA positions 51 to 62, 12 bases deleted (AGCCGAGTACTC).
Protein change: p.14AEYS[1].
Molecular consequence: inframe deletion.
Genome position (GRCh38, 1-based): chr2:24,918,926-24,918,937, GAGTACTCGGCT deleted on the plus strand (AGCCGAGTACTC on the coding strand, the reverse complement: ADCY3 is on the minus strand); deleting any 12 consecutive bases within chr2:24,918,926-24,918,948 gives the same sequence; the c. name uses the placement nearest the transcript's 3' end. VCF-style (leftmost placement, unchanged base first): chr2-24918925-GGAGTACTCGGCT-G. GRCh37 (hg19) VCF-style: chr2-25141794-GGAGTACTCGGCT-G.
Other names: c.51_62del, p.14AEYS[1] (NM_001320613.2, NM_001377128.1, NM_001377129.1 and 2 more transcripts).
Identifiers: ClinVar variation 4998155 (VCV004998155.1).

ClinVar aggregate classification (germline): Uncertain significance (1 of 4 stars; one submission).

Conditions:
ADCY3-related disorder. Also called: ADCY3-related condition.

Submission:

PreventionGenetics, part of Exact Sciences
Classification: Uncertain significance for ADCY3-related condition. Last evaluated: 2025-08-06. Review status: criteria provided, single submitter. Criteria: ACMG Guidelines, 2015. Collection method: clinical testing. Allele origin: germline.
Comment: The ADCY3 c.51_62del12 variant is predicted to result in an in-frame deletion (p.Ala18_Ser21del). To our knowledge, this variant has not been reported in the literature or in a large population database (gnomAD), indicating this variant is rare. At this time, the clinical significance of this variant is uncertain due to the absence of conclusive functional and genetic evidence.